The following is an entry in ClinVar:

NM_031935.3(HMCN1):c.12987C>T (p.Thr4329=)

Gene: HMCN1 (hemicentin 1; plus strand). Cytogenetic location: 1q31.1.
Variant type: single nucleotide variant.
Coding change: c.12987C>T on transcript NM_031935.3 (MANE Select); coding-DNA position 12987, C replaced by T.
Protein change: p.Thr4329=; no amino-acid change (threonine 4329 retained).
Molecular consequence: synonymous variant.
Genome position (GRCh38, 1-based): chr1:186,130,048, C>T. VCF-style: chr1-186130048-C-T. GRCh37 (hg19) VCF-style: chr1-186099180-C-T.
Identifiers: ClinVar variation 294258 (VCV000294258.13), dbSNP rs41317491, ClinGen allele CA1294515.

ClinVar aggregate classification (germline): Benign. Review status: criteria provided, multiple submitters, no conflicts (2 of 4 stars). 4 submissions from 4 submitters: Benign (4). Last evaluated 2026-02-02.

Conditions:
Age related macular degeneration 1 (ARMD1). Also called: MACULOPATHY, AGE-RELATED, 1. Identifiers: MedGen C1864205, MONDO:0011285, OMIM 603075.

Allele frequency attached by ClinVar (database versions not stated): gnomAD 0.01364; 1000 Genomes Project 0.01038; 1000 Genomes Project 30x 0.01124; TOPMed 0.01358; ESP Exome Variant Server 0.01615.
gnomAD v4.1: 22,011 of 1,613,108 alleles (1.4%); highest among the groups gnomAD compares: Middle Eastern, 2.4%; 194 homozygotes.

Submissions (4):

Labcorp Genetics (formerly Invitae), Labcorp
Classification: Benign. Last evaluated: 2026-02-02. Review status: criteria provided, single submitter. Criteria: Invitae Variant Classification Sherloc (09022015). Collection method: clinical testing. Allele origin: germline.

Genome-Nilou Lab
Classification: Benign for Age related macular degeneration 1. Last evaluated: 2023-04-11. Review status: criteria provided, single submitter. Criteria: ACMG Guidelines, 2015. Collection method: clinical testing. Allele origin: germline. Affected: no.

Illumina Laboratory Services, Illumina
Classification: Benign for Age related macular degeneration 1. Last evaluated: 2018-01-12. Review status: criteria provided, single submitter. Criteria: ICSL Variant Classification Criteria 13 December 2019. Collection method: clinical testing. Allele origin: germline.
Comment: This variant was observed in the ICSL laboratory as part of a predisposition screen in an ostensibly healthy population. It had not been previously curated by ICSL or reported in the Human Gene Mutation Database (HGMD: prior to June 1st, 2018), and was therefore a candidate for classification through an automated scoring system. Utilizing variant allele frequency, disease prevalence and penetrance estimates, and inheritance mode, an automated score was calculated to assess if this variant is too frequent to cause the disease. Based on the score and internal cut-off values, a variant classified as benign is not then subjected to further curation. The score for this variant resulted in a classification of benign for this disease.

Breakthrough Genomics
Classification: Benign. Review status: criteria provided, single submitter. Criteria: ACMG Guidelines, 2015. Collection method: not provided. Allele origin: germline. Inheritance: Autosomal dominant inheritance. Affected: yes.